The following is an entry in ClinVar:

NM_005359.6(SMAD4):c.14C>G (p.Ser5Cys)

Gene: SMAD4 (SMAD family member 4; plus strand). Cytogenetic location: 18q21.2.
Variant type: single nucleotide variant.
Coding change: c.14C>G on transcript NM_005359.6 (MANE Select); coding-DNA position 14, C replaced by G.
Protein change: p.Ser5Cys; replaces serine 5 with cysteine.
Molecular consequence: missense variant.
Genome position (GRCh38, 1-based): chr18:51,047,060, C>G. VCF-style: chr18-51047060-C-G. GRCh37 (hg19) VCF-style: chr18-48573430-C-G.
Other names: c.14C>G, p.Ser5Cys (NM_001407041.1, NM_001407042.1, NM_001407043.1); short protein forms S5C.
Identifiers: ClinVar variation 1773976 (VCV001773976.2), dbSNP rs2144400216, ClinGen allele CA402457221.
Genomic context (GRCh38, chr18:51,047,060, plus strand): 5'-TTCAGAAATTGGAGACATATTTGATTTAAAAGGAAAAACTTGAACAAATGGACAATATGT[C>G]TATTACGAATACACCAACAAGTAATGATGCCTGTCTGAGCATTGTGCATAGTTTGATGTG-3'
Protein context (NP_005350.1, residues 1-15): MDNM[Ser5Cys]ITNTPTSNDA

ClinVar aggregate classification (germline): Uncertain significance (1 of 4 stars; one submission).

Conditions:
Familial thoracic aortic aneurysm and aortic dissection (TAAD). Also called: Thoracic aortic aneurysms and dissections. Identifiers: Orphanet 91387, MedGen C4707243, MONDO:0019625.
Hereditary cancer-predisposing syndrome. Also called: Hereditary Cancer Syndrome; Hereditary neoplastic syndrome; Neoplastic Syndromes, Hereditary; Tumor predisposition. Identifiers: Orphanet 140162, MedGen C0027672, MeSH D009386, MONDO:0015356.

Submission:

Ambry Genetics
Classification: Uncertain significance for Hereditary cancer-predisposing syndrome; Familial thoracic aortic aneurysm and aortic dissection. Last evaluated: 2021-11-18. Review status: criteria provided, single submitter. Criteria: Ambry Variant Classification Scheme 2023. Collection method: clinical testing. Allele origin: germline.
Comment: The p.S5C variant (also known as c.14C>G), located in coding exon 1 of the SMAD4 gene, results from a C to G substitution at nucleotide position 14. The serine at codon 5 is replaced by cysteine, an amino acid with dissimilar properties. This amino acid position is highly conserved in available vertebrate species. In addition, the in silico prediction for this alteration is inconclusive. Since supporting evidence is limited at this time, the clinical significance of this alteration remains unclear.